The following is an entry in ClinVar:

ClinVar aggregate classification (germline): Conflicting classifications of pathogenicity. Review status: criteria provided, conflicting classifications (1 of 4 stars). 5 submissions from 5 submitters: Pathogenic (1); Uncertain significance (3); Likely benign (1). Last evaluated 2025-03-04.

Conditions:
Elliptocytosis 3 (EL3). Identifiers: MedGen C1866810, MONDO:0054780, OMIM 617948.
Hereditary spherocytosis type 2. Also called: SPHEROCYTOSIS, TYPE 2, AUTOSOMAL DOMINANT. Identifiers: Orphanet 822, MedGen C2674219, MONDO:0000913, OMIM 616649.

Allele frequency attached by ClinVar (database versions not stated): TOPMed 0.00015; ExAC 0.00036; gnomAD exomes 0.00009 and 0.00036; gnomAD 0.00011.
gnomAD v4.1: 145 of 1,614,010 alleles (0.009%); highest among the groups gnomAD compares: East Asian, 0.17%; no homozygotes.

Submissions (5):

Mayo Clinic Laboratories, Mayo Clinic
Classification: Uncertain significance. Last evaluated: 2025-03-04. Review status: criteria provided, single submitter. Criteria: ACMG Guidelines, 2015. Collection method: clinical testing. Allele origin: germline. Observed: 2 variant alleles.
Comment: BS2, BP4

ARUP Laboratories, Molecular Genetics and Genomics, ARUP Laboratories
Classification: Likely benign. Last evaluated: 2023-08-30. Review status: criteria provided, single submitter. Criteria: ARUP Molecular Germline Variant Investigation Process 2024. Collection method: clinical testing. Allele origin: germline.

Department of Pathology and Laboratory Medicine, Sinai Health System
Classification: Uncertain significance for Hereditary spherocytosis type 2; Elliptocytosis 3. Last evaluated: 2023-07-17. Review status: criteria provided, single submitter. Criteria: ACMG Guidelines, 2015. Collection method: research. Allele origin: germline.

Jiangsu Institute of Hematology, the First Affiliated Hospital of Soochow University
Classification: Pathogenic for Hereditary spherocytosis type 2. Last evaluated: 2022-03-01. Review status: criteria provided, single submitter. Criteria: ACMG Guidelines, 2015. Collection method: research. Allele origin: unknown. Affected: yes.

Baylor Genetics
Classification: Uncertain significance for Elliptocytosis 3. Last evaluated: 2019-06-21. Review status: criteria provided, single submitter. Criteria: ACMG Guidelines, 2015. Collection method: clinical testing. Allele origin: unknown. Affected: yes.
Comment: This variant was determined to be of uncertain significance according to ACMG Guidelines, 2015 [PMID:25741868].

Literature cited by the submitters: PubMed 31980736 (cited by Mayo Clinic Laboratories, Mayo Clinic); PubMed 33620149 (cited by Mayo Clinic Laboratories, Mayo Clinic); PubMed 39135028 (cited by Mayo Clinic Laboratories, Mayo Clinic).

NM_001355436.2(SPTB):c.4105A>G (p.Lys1369Glu)

Gene: SPTB (spectrin beta, erythrocytic; minus strand). Cytogenetic location: 14q23.3.
Variant type: single nucleotide variant.
Coding change: c.4105A>G on transcript NM_001355436.2 (MANE Select); coding-DNA position 4105, A replaced by G.
Protein change: p.Lys1369Glu; replaces lysine 1369 with glutamic acid.
Molecular consequence: missense variant.
Genome position (GRCh38, 1-based): chr14:64,782,451, T>C on the plus strand (A>G on the coding strand, the complement: SPTB is on the minus strand). VCF-style: chr14-64782451-T-C. GRCh37 (hg19) VCF-style: chr14-65249169-T-C.
Other names: NM_000347.5:c.4105A>G; p.Lys1369Glu; c.4105A>G, p.Lys1369Glu (NM_001024858.4, NM_001355437.2); c.4105A>G (NM_001355436.1); short protein forms K1369E.
Identifiers: ClinVar variation 1028696 (VCV001028696.31), dbSNP rs760803657, ClinGen allele CA7230403.